The following is an entry in ClinVar:

NM_001242896.3(DEPDC5):c.2816T>C (p.Leu939Pro)

Gene: DEPDC5 (DEP domain containing 5, GATOR1 subcomplex subunit; plus strand). Cytogenetic location: 22q12.3.
Variant type: single nucleotide variant.
Coding change: c.2816T>C on transcript NM_001242896.3 (MANE Select); coding-DNA position 2816, T replaced by C.
Protein change: p.Leu939Pro; replaces leucine 939 with proline.
Molecular consequence: missense variant. On other transcripts: non-coding transcript variant (5).
Genome position (GRCh38, 1-based): chr22:31,845,032, T>C. VCF-style: chr22-31845032-T-C. GRCh37 (hg19) VCF-style: chr22-32241018-T-C.
Other names: c.2789T>C, p.Leu930Pro (NM_001136029.4, NM_001369903.1, NM_014662.6); c.2582T>C, p.Leu861Pro (NM_001242897.2, NM_001363854.2, NM_001364319.2); c.2816T>C, p.Leu939Pro (NM_001363852.2, NM_001364318.2, NM_001364320.2); c.2732T>C, p.Leu911Pro (NM_001369901.1, NM_001369902.1); short protein forms L939P, L861P, L911P, L930P.
Identifiers: ClinVar variation 2079511 (VCV002079511.4), dbSNP rs1312159135, ClinGen allele CA411290882.

ClinVar aggregate classification (germline): Uncertain significance (1 of 4 stars; one submission).

Conditions:
Familial focal epilepsy with variable foci (FPEVF). Identifiers: Orphanet 98820, MedGen C1858477, MONDO:0020310.

Allele frequency attached by ClinVar (database versions not stated): gnomAD exomes below 0.00001.
gnomAD v4.1: 1 of 1,614,172 alleles (0.000062%); highest among the groups gnomAD compares: Admixed American, 0.0017%; no homozygotes.

Submission:

Labcorp Genetics (formerly Invitae), Labcorp
Classification: Uncertain significance for Familial focal epilepsy with variable foci. Last evaluated: 2022-07-11. Review status: criteria provided, single submitter. Criteria: Invitae Variant Classification Sherloc (09022015). Collection method: clinical testing. Allele origin: germline.
Comment: This variant is present in population databases (no rsID available, gnomAD 0.003%). In summary, the available evidence is currently insufficient to determine the role of this variant in disease. Therefore, it has been classified as a Variant of Uncertain Significance. Algorithms developed to predict the effect of missense changes on protein structure and function are either unavailable or do not agree on the potential impact of this missense change (SIFT: "Deleterious"; PolyPhen-2: "Not Available"; Align-GVGD: "Class C65"). This variant has not been reported in the literature in individuals affected with DEPDC5-related conditions. This sequence change replaces leucine, which is neutral and non-polar, with proline, which is neutral and non-polar, at codon 939 of the DEPDC5 protein (p.Leu939Pro).